The following is an entry in ClinVar:

NM_022168.4(IFIH1):c.2978A>C (p.Asn993Thr)

Gene: IFIH1 (interferon induced with helicase C domain 1; minus strand). Cytogenetic location: 2q24.2.
Variant type: single nucleotide variant.
Coding change: c.2978A>C on transcript NM_022168.4 (MANE Select); coding-DNA position 2978, A replaced by C.
Protein change: p.Asn993Thr; replaces asparagine 993 with threonine.
Molecular consequence: missense variant.
Genome position (GRCh38, 1-based): chr2:162,267,300, T>G on the plus strand (A>C on the coding strand, the complement: IFIH1 is on the minus strand). VCF-style: chr2-162267300-T-G. GRCh37 (hg19) VCF-style: chr2-163123810-T-G.
Other names: short protein forms N993T.
Identifiers: ClinVar variation 1500201 (VCV001500201.8), dbSNP rs2105186636, ClinGen allele CA348988965.
Genomic context (GRCh38, chr2:162,267,300, plus strand): 5'-AGATTGGGAAATGTGATAGGTAATTCTACCCACTTTTTGTATTGTTTCTTTGTTGAATTA[T>G]TTTTGAAAACCACTACAAAATTCCTTATTTTGAGACAAGGCAAATCTAAGCCTTTGTGCA-3'
Protein context (NP_071451.2, residues 983-1003): KIRNFVVVFK[Asn993Thr]NSTKKQYKKW

ClinVar aggregate classification (germline): Uncertain significance (1 of 4 stars; one submission).

Conditions:
Aicardi-Goutieres syndrome 7 (AGS7). Identifiers: Orphanet 51, MedGen C3888244, MONDO:0014367, OMIM 615846.
Singleton-Merten syndrome 1 (SGMRT1). Also called: Widened medullary cavities of bone, aortic calcification, abnormal dentition, and muscular weakness; Syndrome of widened medullary cavities of the metacarpals and phalanges, aortic calcification and abnormal dentition. Identifiers: Orphanet 85191, MedGen C4225427, MONDO:0024535, OMIM 182250.

Submission:

Labcorp Genetics (formerly Invitae), Labcorp
Classification: Uncertain significance for Aicardi-Goutieres syndrome 7; Singleton-Merten syndrome 1. Last evaluated: 2021-01-04. Review status: criteria provided, single submitter. Criteria: Invitae Variant Classification Sherloc (09022015). Collection method: clinical testing. Allele origin: germline.
Comment: In summary, the available evidence is currently insufficient to determine the role of this variant in disease. Therefore, it has been classified as a Variant of Uncertain Significance. This sequence change replaces asparagine with threonine at codon 993 of the IFIH1 protein (p.Asn993Thr). The asparagine residue is moderately conserved and there is a small physicochemical difference between asparagine and threonine. This variant is not present in population databases (ExAC no frequency). This variant has not been reported in the literature in individuals with IFIH1-related conditions. Algorithms developed to predict the effect of missense changes on protein structure and function output the following: SIFT: "Tolerated"; PolyPhen-2: "Benign"; Align-GVGD: "Class C0". The threonine amino acid residue is found in multiple mammalian species, suggesting that this missense change does not adversely affect protein function. These predictions have not been confirmed by published functional studies and their clinical significance is uncertain.